The following is an entry in ClinVar:

ClinVar aggregate classification (germline): Uncertain significance. Review status: criteria provided, multiple submitters, no conflicts (2 of 4 stars). 2 submissions from 2 submitters: Uncertain significance (2). Last evaluated 2025-09-25.

gnomAD v4.1: 24 of 1,550,066 alleles (0.0015%); highest among the groups gnomAD compares: Non-Finnish European, 0.002%; no homozygotes.

Submissions (2):

Labcorp Genetics (formerly Invitae), Labcorp
Classification: Uncertain significance. Last evaluated: 2025-09-25. Review status: criteria provided, single submitter. Criteria: Invitae Variant Classification Sherloc (09022015). Collection method: clinical testing. Allele origin: germline.
Comment: This sequence change replaces proline, which is neutral and non-polar, with glutamine, which is neutral and polar, at codon 27 of the TCF3 protein (p.Pro27Gln). This variant is present in population databases (no rsID available, gnomAD 0.006%). This variant has not been reported in the literature in individuals affected with TCF3-related conditions. ClinVar contains an entry for this variant (Variation ID: 3605063). Invitae Evidence Modeling of protein sequence and biophysical properties (such as structural, functional, and spatial information, amino acid conservation, physicochemical variation, residue mobility, and thermodynamic stability) has been performed for this missense variant. However, the output from this modeling did not meet the statistical confidence thresholds required to predict the impact of this variant on TCF3 protein function. In summary, the available evidence is currently insufficient to determine the role of this variant in disease. Therefore, it has been classified as a Variant of Uncertain Significance.

Blueprint Genetics
Classification: Uncertain significance. Last evaluated: 2022-01-03. Review status: criteria provided, single submitter. Criteria: ACMG Guidelines, 2015. Collection method: clinical testing. Allele origin: germline.

NM_003200.5(TCF3):c.80C>A (p.Pro27Gln)

Gene: TCF3 (transcription factor 3; minus strand). Cytogenetic location: 19p13.3.
Variant type: single nucleotide variant.
Coding change: c.80C>A on transcript NM_003200.5 (MANE Select); coding-DNA position 80, C replaced by A.
Protein change: p.Pro27Gln; replaces proline 27 with glutamine.
Molecular consequence: missense variant.
Genome position (GRCh38, 1-based): chr19:1,646,420, G>T on the plus strand (C>A on the coding strand, the complement: TCF3 is on the minus strand). VCF-style: chr19-1646420-G-T. GRCh37 (hg19) VCF-style: chr19-1646419-G-T.
Other names: c.80C>A, p.Pro27Gln (NM_001136139.4, NM_001351778.2, NM_001351779.2); short protein forms P27Q.
Identifiers: ClinVar variation 3605063 (VCV003605063.3).